The following is an entry in ClinVar:

ClinVar aggregate classification (germline): Uncertain significance (1 of 4 stars; one submission).

Submission:

GeneDx
Classification: Uncertain significance. Last evaluated: 2023-11-11. Review status: criteria provided, single submitter. Criteria: GeneDx Variant Classification Process June 2021. Collection method: clinical testing. Allele origin: germline. Affected: yes.
Comment: Nonsense variant predicted to result in protein truncation or nonsense mediated decay in a gene or region of a gene for which loss of function is not a well-established mechanism of disease; Not observed at significant frequency in large population cohorts (gnomAD); Has not been previously published as pathogenic or benign to our knowledge

NM_007192.4(SUPT16H):c.1273_1274delinsTA (p.Val425Ter)

Gene: SUPT16H (SPT16 homolog, facilitates chromatin remodeling subunit; minus strand). Cytogenetic location: 14q11.2.
Variant type: Indel.
Coding change: c.1273_1274delinsTA on transcript NM_007192.4 (MANE Select); coding-DNA positions 1273 to 1274, GT replaced by TA.
Protein change: p.Val425Ter; replaces valine 425 with a stop codon.
Molecular consequence: nonsense.
Genome position (GRCh38, 1-based): chr14:21,363,463-21,363,464, AC replaced by TA on the plus strand (GT replaced by TA on the coding strand, the reverse complement: SUPT16H is on the minus strand). VCF-style: chr14-21363463-AC-TA. GRCh37 (hg19) VCF-style: chr14-21831622-AC-TA.
Other names: short protein forms V425*.
Identifiers: ClinVar variation 3363956 (VCV003363956.1).
Genomic context (GRCh38, chr14:21,363,463, plus strand): 5'-AAACTTCCTATACTACTTATCTATCTTCTTCCTACCTTTAGGAAAATCCCCACATTCTTC[AC>TA]TTTCTTCTTCACAGAAGTGAGAACAGTAGCTGGGCCATCCTAGAATTAAAAGGAGAATGA-3'